The following is an entry in ClinVar:

ClinVar aggregate classification (germline): Pathogenic (1 of 4 stars; one submission).

Submission:

Labcorp Genetics (formerly Invitae), Labcorp
Classification: Pathogenic. Last evaluated: 2023-03-23. Review status: criteria provided, single submitter. Criteria: Invitae Variant Classification Sherloc (09022015). Collection method: clinical testing. Allele origin: germline.
Comment: This sequence change creates a premature translational stop signal (p.Phe176Leufs*24) in the RMND1 gene. It is expected to result in an absent or disrupted protein product. Loss-of-function variants in RMND1 are known to be pathogenic (PMID: 27412952). This variant is not present in population databases (gnomAD no frequency). This variant has not been reported in the literature in individuals affected with RMND1-related conditions. ClinVar contains an entry for this variant (Variation ID: 2113509). For these reasons, this variant has been classified as Pathogenic.

Literature cited by the submitters: PubMed 27412952.

NM_017909.4(RMND1):c.525del (p.Phe176fs)

Gene: RMND1 (required for meiotic nuclear division 1 homolog; minus strand). Cytogenetic location: 6q25.1.
Variant type: Deletion.
Coding change: c.525del on transcript NM_017909.4 (MANE Select); coding-DNA position 525, one base deleted (A; older notation c.525delA).
Protein change: p.Phe176fs; shifts the reading frame from phenylalanine 176.
Molecular consequence: frameshift variant.
Genome position (GRCh38, 1-based): chr6:151,436,534, T deleted on the plus strand (A on the coding strand, the reverse complement: RMND1 is on the minus strand). VCF-style (leftmost placement, unchanged base first): chr6-151436533-AT-A. GRCh37 (hg19) VCF-style: chr6-151757668-AT-A.
Other names: c.15del, p.Phe6fs (NM_001271937.2); short protein forms F6fs, F176fs.
Identifiers: ClinVar variation 2113509 (VCV002113509.4), dbSNP rs2485939911, ClinGen allele CA2578772259.